The following is an entry in ClinVar:

ClinVar aggregate classification (germline): Uncertain significance (1 of 4 stars; one submission).

Conditions:
Hereditary cancer-predisposing syndrome. Also called: Neoplastic Syndromes, Hereditary; Hereditary Cancer Syndrome; Tumor predisposition; Hereditary neoplastic syndrome. Identifiers: Orphanet 140162, MedGen C0027672, MeSH D009386, MONDO:0015356.

Submission:

Ambry Genetics
Classification: Uncertain significance for Hereditary cancer-predisposing syndrome. Last evaluated: 2025-03-08. Review status: criteria provided, single submitter. Criteria: Ambry Variant Classification Scheme 2023. Collection method: clinical testing. Allele origin: germline.
Comment: The p.H1213N variant (also known as c.3637C>A), located in coding exon 22 of the PTCH1 gene, results from a C to A substitution at nucleotide position 3637. The histidine at codon 1213 is replaced by asparagine, an amino acid with similar properties. This amino acid position is conserved. In addition, this alteration is predicted to be tolerated by in silico analysis. Based on the available evidence, the clinical significance of this variant remains unclear.

NM_000264.5(PTCH1):c.3637C>A (p.His1213Asn)

Gene: PTCH1 (patched 1; minus strand). Cytogenetic location: 9q22.32.
Variant type: single nucleotide variant.
Coding change: c.3637C>A on transcript NM_000264.5 (MANE Select); coding-DNA position 3637, C replaced by A.
Protein change: p.His1213Asn; replaces histidine 1213 with asparagine.
Molecular consequence: missense variant. On other transcripts: non-coding transcript variant (1).
Genome position (GRCh38, 1-based): chr9:95,449,236, G>T on the plus strand (C>A on the coding strand, the complement: PTCH1 is on the minus strand). VCF-style: chr9-95449236-G-T. GRCh37 (hg19) VCF-style: chr9-98211518-G-T.
Other names: c.3439C>A, p.His1147Asn (NM_001083602.3); c.3634C>A, p.His1212Asn (NM_001083603.3); c.3184C>A, p.His1062Asn (NM_001083604.3, NM_001083605.3, NM_001083606.3 and 1 more transcripts); c.3481C>A, p.His1161Asn (NM_001354918.2); short protein forms H1147N, H1212N, H1213N, H1062N, H1161N.
Identifiers: ClinVar variation 3784684 (VCV003784684.1).